The following is an entry in ClinVar:

ClinVar aggregate classification (germline): Uncertain significance (1 of 4 stars; one submission).

Conditions:
Arrhythmogenic cardiomyopathy with wooly hair and keratoderma. Also called: Carvajal syndrome; PALMOPLANTAR KERATODERMA WITH LEFT VENTRICULAR CARDIOMYOPATHY AND WOOLLY HAIR; Dilated cardiomyopathy with woolly hair and keratoderma; Arrhythmogenic cardiomyopathy with woolly hair and keratoderma. Identifiers: Orphanet 65282, MedGen C1854063, MONDO:0011581, OMIM 605676.

Allele frequency attached by ClinVar (database versions not stated): gnomAD exomes below 0.00001; ExAC 0.00001; gnomAD 0.00001; 1000 Genomes Project 30x 0.00016; 1000 Genomes Project 0.00020.
gnomAD v4.1: 3 of 1,613,854 alleles (0.00019%); highest among the groups gnomAD compares: African/African-American, 0.0027%; no homozygotes.

Submission:

All of Us Research Program, National Institutes of Health
Classification: Uncertain significance for Arrhythmogenic cardiomyopathy with wooly hair and keratoderma. Last evaluated: 2023-03-09. Review status: criteria provided, single submitter. Criteria: ACMG Guidelines, 2015. Collection method: clinical testing. Allele origin: germline. Inheritance: Autosomal dominant inheritance. Observed: 1 variant allele, 1 heterozygote.
Comment: This missense variant replaces histidine with tyrosine at codon 1198 of the DSP protein. Computational prediction suggests that this variant may not impact protein structure and function (internally defined REVEL score threshold <= 0.5, PMID: 27666373). To our knowledge, functional studies have not been reported for this variant. This variant has not been reported in individuals affected with DSP-related disorders in the literature. This variant has been identified in 1/250832 chromosomes in the general population by the Genome Aggregation Database (gnomAD). The available evidence is insufficient to determine the role of this variant in disease conclusively. Therefore, this variant is classified as a Variant of Uncertain Significance.

This study involves interpretation of variants in research participants for the purpose of population health screening. Participant phenotype was not available at the time of variant classification. Additional details can be found in publication PMID: 35346344, PMCID: PMC8962531

NM_004415.4(DSP):c.3592C>T (p.His1198Tyr)

Gene: DSP (desmoplakin; plus strand). Cytogenetic location: 6p24.3.
Variant type: single nucleotide variant.
Coding change: c.3592C>T on transcript NM_004415.4 (MANE Select); coding-DNA position 3592, C replaced by T.
Protein change: p.His1198Tyr; replaces histidine 1198 with tyrosine.
Molecular consequence: missense variant. On other transcripts: intron variant (1).
Genome position (GRCh38, 1-based): chr6:7,579,782, C>T. VCF-style: chr6-7579782-C-T. GRCh37 (hg19) VCF-style: chr6-7580015-C-T.
Other names: c.3592C>T, p.His1198Tyr (NM_001319034.2); c.3582+10C>T (NM_001008844.3); short protein forms H1198Y.
Identifiers: ClinVar variation 3069863 (VCV003069863.1), dbSNP rs200377566, ClinGen allele CA038457.
Genomic context (GRCh38, chr6:7,579,782, plus strand): 5'-CTGCAGGAAGAAGGCACCCGGAAGAGAGAATATGAAAATGAGCTGGCAAAGGTAAGAAAC[C>T]ACTATAATGAGGAGATGAGTAATTTAAGGAACAAGTATGAAACAGAGATTAACATTACGA-3'
Protein context (NP_004406.2, residues 1188-1208): YENELAKVRN[His1198Tyr]YNEEMSNLRN